The following is an entry in ClinVar:

ClinVar aggregate classification (germline): Uncertain significance. Review status: criteria provided, multiple submitters, no conflicts (2 of 4 stars). 2 submissions from 2 submitters: Uncertain significance (2). Last evaluated 2024-08-07.

Conditions:
Familial thoracic aortic aneurysm and aortic dissection (TAAD). Also called: Thoracic aortic aneurysms and dissections. Identifiers: Orphanet 91387, MedGen C4707243, MONDO:0019625.

Submissions (2):

Blueprint Genetics
Classification: Uncertain significance. Last evaluated: 2024-08-07. Review status: criteria provided, single submitter. Criteria: ACMG Guidelines, 2015. Collection method: clinical testing. Allele origin: germline.

Ambry Genetics
Classification: Uncertain significance for Familial thoracic aortic aneurysm and aortic dissection. Last evaluated: 2024-05-02. Review status: criteria provided, single submitter. Criteria: Ambry Variant Classification Scheme 2023. Collection method: clinical testing. Allele origin: germline.
Comment: The p.P2064A variant (also known as c.6190C>G), located in coding exon 34 of the NOTCH1 gene, results from a C to G substitution at nucleotide position 6190. The proline at codon 2064 is replaced by alanine, an amino acid with highly similar properties. This amino acid position is conserved. In addition, the in silico prediction for this alteration is inconclusive. Based on the available evidence, the clinical significance of this variant remains unclear.

NM_017617.5(NOTCH1):c.6190C>G (p.Pro2064Ala)

Gene: NOTCH1 (notch receptor 1; minus strand). Cytogenetic location: 9q34.3.
Variant type: single nucleotide variant.
Coding change: c.6190C>G on transcript NM_017617.5 (MANE Select); coding-DNA position 6190, C replaced by G.
Protein change: p.Pro2064Ala; replaces proline 2064 with alanine.
Molecular consequence: missense variant.
Genome position (GRCh38, 1-based): chr9:136,497,549, G>C on the plus strand (C>G on the coding strand, the complement: NOTCH1 is on the minus strand). VCF-style: chr9-136497549-G-C. GRCh37 (hg19) VCF-style: chr9-139392001-G-C.
Other names: short protein forms P2064A.
Identifiers: ClinVar variation 3300460 (VCV003300460.2).